The following is an entry in ClinVar:

ClinVar aggregate classification (germline): Uncertain significance (1 of 4 stars; one submission).

Conditions:
Primary ciliary dyskinesia. Also called: Ciliary dyskinesia. Identifiers: Orphanet 244, MedGen C0008780, MONDO:0016575, HP:0012265.

Submission:

Labcorp Genetics (formerly Invitae), Labcorp
Classification: Uncertain significance for Primary ciliary dyskinesia. Last evaluated: 2022-11-22. Review status: criteria provided, single submitter. Criteria: Invitae Variant Classification Sherloc (09022015). Collection method: clinical testing. Allele origin: germline.
Comment: Advanced modeling of protein sequence and biophysical properties (such as structural, functional, and spatial information, amino acid conservation, physicochemical variation, residue mobility, and thermodynamic stability) performed at Invitae indicates that this missense variant is not expected to disrupt DNAH11 protein function. In summary, the available evidence is currently insufficient to determine the role of this variant in disease. Therefore, it has been classified as a Variant of Uncertain Significance. This variant has not been reported in the literature in individuals affected with DNAH11-related conditions. This variant is not present in population databases (gnomAD no frequency). This sequence change replaces glutamine, which is neutral and polar, with glutamic acid, which is acidic and polar, at codon 4273 of the DNAH11 protein (p.Gln4273Glu).

NM_001277115.2(DNAH11):c.12817C>G (p.Gln4273Glu)

Gene: DNAH11 (dynein axonemal heavy chain 11; plus strand). Cytogenetic location: 7p15.3.
Variant type: single nucleotide variant.
Coding change: c.12817C>G on transcript NM_001277115.2 (MANE Select); coding-DNA position 12817, C replaced by G.
Protein change: p.Gln4273Glu; replaces glutamine 4273 with glutamic acid.
Molecular consequence: missense variant.
Genome position (GRCh38, 1-based): chr7:21,894,689, C>G. VCF-style: chr7-21894689-C-G. GRCh37 (hg19) VCF-style: chr7-21934307-C-G.
Other names: c.12838C>G, p.Gln4280Glu (NM_003777.3); short protein forms Q4273E, Q4280E.
Identifiers: ClinVar variation 2114019 (VCV002114019.4), dbSNP rs2534130101, ClinGen allele CA366954464.